The following is an entry in ClinVar:

ClinVar aggregate classification (germline): Benign (0 of 4 stars; one submission).

Conditions:
TNS1-related disorder. Also called: TNS1-related condition.

Allele frequency attached by ClinVar (database versions not stated): TOPMed 0.06382; 1000 Genomes Project 30x 0.06527; ESP Exome Variant Server 0.06628; 1000 Genomes Project 0.06629; gnomAD 0.07181; ExAC 0.07735; gnomAD exomes 0.08007.
gnomAD v4.1: 127,843 of 1,614,066 alleles (7.9%); highest among the groups gnomAD compares: South Asian, 12%; 5,520 homozygotes.

Submission:

PreventionGenetics, part of Exact Sciences
Classification: Benign for TNS1-related condition. Last evaluated: 2020-03-02. Review status: no assertion criteria provided. Collection method: clinical testing. Allele origin: germline.
Comment: This variant is classified as benign based on ACMG/AMP sequence variant interpretation guidelines (Richards et al. 2015 PMID: 25741868, with internal and published modifications).

NM_001387777.1(TNS1):c.3916C>T (p.Pro1306Ser)

Gene: TNS1 (tensin 1; minus strand). Cytogenetic location: 2q35.
Variant type: single nucleotide variant.
Coding change: c.3916C>T on transcript NM_001387777.1 (MANE Select); coding-DNA position 3916, C replaced by T.
Protein change: p.Pro1306Ser; replaces proline 1306 with serine.
Molecular consequence: missense variant.
Genome position (GRCh38, 1-based): chr2:217,818,416, G>A on the plus strand (C>T on the coding strand, the complement: TNS1 is on the minus strand). VCF-style: chr2-217818416-G-A. GRCh37 (hg19) VCF-style: chr2-218683139-G-A.
Other names: c.3565C>T, p.Pro1189Ser (NM_001308022.2); c.3541C>T, p.Pro1181Ser (NM_001308023.2); c.3604C>T, p.Pro1202Ser (NM_022648.7); short protein forms P1181S, P1189S, P1202S, P1306S.
Identifiers: ClinVar variation 3057079 (VCV003057079.2), dbSNP rs34291329, ClinGen allele CA2099751.
Genomic context (GRCh38, chr2:217,818,416, plus strand): 5'-CTGGTGGACCCATCATCTGGTGATGGCTCAAACTGGGACTGCTGGGGGCAGCCATGCTGG[G>A]ATTGATGGCCCGCCAGCCGAAGCCAGGACTAGGGGGAGTGTTGGTGCCCACTGTTCTGTG-3'
Protein context (NP_001374706.1, residues 1296-1316): SPGFGWRAIN[Pro1306Ser]SMAAPSSPSL